The following is an entry in ClinVar:

ClinVar aggregate classification (germline): Uncertain significance (1 of 4 stars; one submission).

Conditions:
Familial cold autoinflammatory syndrome 2 (FCAS2). Identifiers: Orphanet 247868, MedGen C2673198, MONDO:0012724, OMIM 611762.

gnomAD v4.1: 1 of 1,614,128 alleles (0.000062%); highest among the groups gnomAD compares: Non-Finnish European, 0.000085%; no homozygotes.

Submission:

Labcorp Genetics (formerly Invitae), Labcorp
Classification: Uncertain significance for Familial cold autoinflammatory syndrome 2. Last evaluated: 2025-11-10. Review status: criteria provided, single submitter. Criteria: Invitae Variant Classification Sherloc (09022015). Collection method: clinical testing. Allele origin: germline.
Comment: This sequence change replaces tryptophan, which is neutral and slightly polar, with glycine, which is neutral and non-polar, at codon 70 of the NLRP12 protein (p.Trp70Gly). This variant is present in population databases (rs367549186, gnomAD 0.0009%). This variant has not been reported in the literature in individuals affected with NLRP12-related conditions. Invitae Evidence Modeling of protein sequence and biophysical properties (such as structural, functional, and spatial information, amino acid conservation, physicochemical variation, residue mobility, and thermodynamic stability) indicates that this missense variant is expected to disrupt NLRP12 protein function with a positive predictive value of 80%. In summary, the available evidence is currently insufficient to determine the role of this variant in disease. Therefore, it has been classified as a Variant of Uncertain Significance.

NM_144687.4(NLRP12):c.208T>G (p.Trp70Gly)

Gene: NLRP12 (NLR family pyrin domain containing 12; minus strand). Cytogenetic location: 19q13.42.
Variant type: single nucleotide variant.
Coding change: c.208T>G on transcript NM_144687.4 (MANE Select); coding-DNA position 208, T replaced by G.
Protein change: p.Trp70Gly; replaces tryptophan 70 with glycine.
Molecular consequence: missense variant.
Genome position (GRCh38, 1-based): chr19:53,823,967, A>C on the plus strand (T>G on the coding strand, the complement: NLRP12 is on the minus strand). VCF-style: chr19-53823967-A-C. GRCh37 (hg19) VCF-style: chr19-54327221-A-C.
Other names: c.208T>G, p.Trp70Gly (NM_001277126.2, NM_001277129.1); short protein forms W70G.
Identifiers: ClinVar variation 4742303 (VCV004742303.1).